The following is an entry in ClinVar:

ClinVar aggregate classification (germline): Uncertain significance (1 of 4 stars; one submission).

Conditions:
Osteogenesis imperfecta type I (OI1). Also called: OI, TYPE I; OSTEOGENESIS IMPERFECTA TARDA; OSTEOGENESIS IMPERFECTA WITH BLUE SCLERAE; Lobstein disease; Osteogenesis imperfecta type 1; Lobstein's Disease. Identifiers: Orphanet 216796, Orphanet 666, MedGen C0023931, MONDO:0008146, OMIM 166200. Disease mechanism: loss of function.

Allele frequency attached by ClinVar (database versions not stated): TOPMed below 0.00001.

Submission:

Labcorp Genetics (formerly Invitae), Labcorp
Classification: Uncertain significance for Osteogenesis imperfecta type I. Last evaluated: 2025-11-10. Review status: criteria provided, single submitter. Criteria: Invitae Variant Classification Sherloc (09022015). Collection method: clinical testing. Allele origin: germline.
Comment: This sequence change replaces alanine, which is neutral and non-polar, with serine, which is neutral and polar, at codon 838 of the COL1A1 protein (p.Ala838Ser). This variant is not present in population databases (gnomAD no frequency). This variant has not been reported in the literature in individuals affected with COL1A1-related conditions. ClinVar contains an entry for this variant (Variation ID: 2849463). Invitae Evidence Modeling of protein sequence and biophysical properties (such as structural, functional, and spatial information, amino acid conservation, physicochemical variation, residue mobility, and thermodynamic stability) indicates that this missense variant is not expected to disrupt COL1A1 protein function with a negative predictive value of 95%. In summary, the available evidence is currently insufficient to determine the role of this variant in disease. Therefore, it has been classified as a Variant of Uncertain Significance.

NM_000088.4(COL1A1):c.2512G>T (p.Ala838Ser)

Gene: COL1A1 (collagen type I alpha 1 chain; minus strand). Cytogenetic location: 17q21.33.
Variant type: single nucleotide variant.
Coding change: c.2512G>T on transcript NM_000088.4 (MANE Select); coding-DNA position 2512, G replaced by T.
Protein change: p.Ala838Ser; replaces alanine 838 with serine.
Molecular consequence: missense variant.
Genome position (GRCh38, 1-based): chr17:50,190,048, C>A on the plus strand (G>T on the coding strand, the complement: COL1A1 is on the minus strand). VCF-style: chr17-50190048-C-A. GRCh37 (hg19) VCF-style: chr17-48267409-C-A.
Other names: short protein forms A838S.
Identifiers: ClinVar variation 2849463 (VCV002849463.3), dbSNP rs1375522123, ClinGen allele CA400207674.
Genomic context (GRCh38, chr17:50,190,048, plus strand): 5'-CCAAGCCACTCACAATGGGGCCAGGGGGTCCAGCGGGTCCGGCAGGGCCAGGGGGACCAG[C>A]ATCGCCTTTAGCACCAGCATCACCAGGTTCGCCTTTAGCACCAGGTTGGCCGTCAGCACC-3'
Protein context (NP_000079.2, residues 828-848): EPGDAGAKGD[Ala838Ser]GPPGPAGPAG